The following is an entry in ClinVar:

NM_007294.4(BRCA1):c.5099C>T (p.Thr1700Ile)

Gene: BRCA1 (BRCA1 DNA repair associated; minus strand). Cytogenetic location: 17q21.31.
Variant type: single nucleotide variant.
Coding change: c.5099C>T on transcript NM_007294.4 (MANE Select); coding-DNA position 5099, C replaced by T.
Protein change: p.Thr1700Ile; replaces threonine 1700 with isoleucine.
Molecular consequence: missense variant. On other transcripts: non-coding transcript variant (1).
Genome position (GRCh38, 1-based): chr17:43,063,927, G>A on the plus strand (C>T on the coding strand, the complement: BRCA1 is on the minus strand). VCF-style: chr17-43063927-G-A. GRCh37 (hg19) VCF-style: chr17-41215944-G-A.
Other names: c.5099C>T, p.Thr1700Ile (NM_001407593.1, NM_001407594.1, NM_001407596.1 and 7 more transcripts); c.5096C>T, p.Thr1699Ile (NM_001407620.1, NM_001407621.1, NM_001407622.1 and 17 more transcripts); c.5093C>T, p.Thr1698Ile (NM_001407627.1, NM_001407628.1, NM_001407639.1 and 14 more transcripts); c.5090C>T, p.Thr1697Ile (NM_001407644.1, NM_001407645.1); c.5087C>T, p.Thr1696Ile (NM_001407646.1); c.5084C>T, p.Thr1695Ile (NM_001407647.1); c.5042C>T, p.Thr1681Ile (NM_001407648.1); c.5015C>T, p.Thr1672Ile (NM_001407662.1, NM_001407663.1, NM_001407659.1 and 2 more transcripts); and 71 more; short protein forms T1721I, T1653I, T596I, T1700I, T1531I, T1546I, T1571I, T1573I.
Identifiers: ClinVar variation 864948 (VCV000864948.8), dbSNP rs2051927197, ClinGen allele CA10591329.

ClinVar aggregate classification (germline): Conflicting classifications of pathogenicity. Review status: criteria provided, conflicting classifications (1 of 4 stars). 3 submissions from 3 submitters: Likely pathogenic (2); Uncertain significance (1). Last evaluated 2026-05-19.

Conditions:
Hereditary breast ovarian cancer syndrome. Also called: Hereditary breast and/or ovarian cancer syndrome; BRCA1- and BRCA2-Associated Hereditary Breast and Ovarian Cancer; Hereditary breast and ovarian cancer syndrome; Hereditary breast and ovarian cancer; Hereditary breast and ovarian cancer syndrome (HBOC); Breast and ovarian cancer. Identifiers: Orphanet 145, MedGen C0677776, MeSH D061325, MONDO:0003582. Disease mechanism: loss of function.
Hereditary cancer-predisposing syndrome. Also called: Tumor predisposition; Hereditary Cancer Syndrome; Hereditary neoplastic syndrome; Neoplastic Syndromes, Hereditary. Identifiers: Orphanet 140162, MedGen C0027672, MeSH D009386, MONDO:0015356.
Inherited breast cancer and ovarian cancer.

Submissions (4):

Genetics Laboratory, Great Ormond Street Hospital NHS Foundation Trust, North Thames Genomic Laboratory Hub
Classification: Likely pathogenic for Inherited breast cancer and ovarian cancer. Last evaluated: 2026-05-19. Review status: criteria provided, single submitter. Criteria: CanVIG BRCA Gene Specific V1.22. Collection method: clinical testing. Allele origin: germline. Affected: yes.
Comment: PM2_moderate, PP3_supporting, PS3_strong

Labcorp Genetics (formerly Invitae), Labcorp
Classification: Uncertain significance for Hereditary breast ovarian cancer syndrome. Last evaluated: 2024-04-03. Review status: criteria provided, single submitter. Criteria: Invitae Variant Classification Sherloc (09022015). Collection method: clinical testing. Allele origin: germline.
Comment: This sequence change replaces threonine, which is neutral and polar, with isoleucine, which is neutral and non-polar, at codon 1700 of the BRCA1 protein (p.Thr1700Ile). This variant is not present in population databases (gnomAD no frequency). This missense change has been observed in individual(s) with breast and/or ovarian cancer (PMID: 28364669). ClinVar contains an entry for this variant (Variation ID: 864948). Advanced modeling performed at Invitae incorporating data from internal and/or published experimental studies (PMID: 30209399) indicates that this missense variant is expected to disrupt BRCA1 function with a positive predictive value of 95%. Experimental studies have shown that this missense change affects BRCA1 function (PMID: 30257991). In summary, the available evidence is currently insufficient to determine the role of this variant in disease. Therefore, it has been classified as a Variant of Uncertain Significance.

Ambry Genetics
Classification: Likely pathogenic for Hereditary cancer-predisposing syndrome. Last evaluated: 2020-11-05. Review status: criteria provided, single submitter. Criteria: Ambry Variant Classification Scheme 2023. Collection method: clinical testing. Allele origin: germline.
Comment: The p.T1700I variant (also known as c.5099C>T), located in coding exon 16 of the BRCA1 gene, results from a C to T substitution at nucleotide position 5099. The threonine at codon 1700 is replaced by isoleucine, an amino acid with similar properties. One functional study found that this nucleotide substitution is deleterious in a high throughput genome editing haploid cell survival assay (Findlay GM et al. Nature, 2018 10;562:217-222). Another functional assay determined this alteration to be deficient in homologous recombination repair activity (Petitalot A et al. Mol Cancer Res, 2019 01;17:54-69). Based on internal structural analysis, this variant is anticipated to disrupt a region of known function (Ambry internal data; Wu Q et al. Mol Cell 2016 Feb;61(3):434-448; Tram E et al. PLoS One 2013 May;8(5):e62468). Another alteration at the same codon, p.T1700A (c.5098A>G), has also been determined to be functionally and structurally deleterious (Ambry internal data; Findlay GM et al. Nature, 2018 10;562:217-222; Wu Q et al. Mol Cell 2016 Feb;61(3):434-448; Tram E et al. PLoS One 2013 May;8(5):e62468). This variant was not reported in population-based cohorts in the Genome Aggregation Database (gnomAD). This amino acid position is highly conserved in available vertebrate species. In addition, this alteration is predicted to be deleterious by in silico analysis. Based on the majority of available evidence to date, this variant is likely to be pathogenic.

Brotman Baty Institute, University of Washington
No classification provided (evidence only). Condition: Breast-ovarian cancer, familial 1. Review status: no classification provided. Collection method: in vitro. Allele origin: not applicable. Functional consequence: functionally_abnormal. Not counted in ClinVar's aggregate classification.
ClinVar note: "not provided" was previously submitted as the classification for the variant. However, the classification appeared to be based only on an observation of functional data so it was converted to no classification on 2025-07-30.

Literature cited by the submitters: PubMed 28364669 (cited by Labcorp Genetics (formerly Invitae), Labcorp and Ambry Genetics); PubMed 30209399 (cited by Labcorp Genetics (formerly Invitae), Labcorp and Ambry Genetics); PubMed 30257991 (cited by Labcorp Genetics (formerly Invitae), Labcorp and Ambry Genetics); PubMed 23704879 (cited by Ambry Genetics); PubMed 26778126 (cited by Ambry Genetics).